The following is an entry in ClinVar:

NM_018129.4(PNPO):c.119G>A (p.Ser40Asn)

Gene: PNPO (pyridoxamine 5'-phosphate oxidase; plus strand). Cytogenetic location: 17q21.32.
Variant type: single nucleotide variant.
Coding change: c.119G>A on transcript NM_018129.4 (MANE Select); coding-DNA position 119, G replaced by A.
Protein change: p.Ser40Asn; replaces serine 40 with asparagine.
Molecular consequence: missense variant.
Genome position (GRCh38, 1-based): chr17:47,941,794, G>A. VCF-style: chr17-47941794-G-A. GRCh37 (hg19) VCF-style: chr17-46019160-G-A.
Other names: short protein forms S40N.
Identifiers: ClinVar variation 211924 (VCV000211924.7), dbSNP rs797045893, ClinGen allele CA209893.

ClinVar aggregate classification (germline): Uncertain significance. Review status: criteria provided, multiple submitters, no conflicts (2 of 4 stars). 2 submissions from 2 submitters: Uncertain significance (2). Last evaluated 2022-02-03.

Conditions:
Pyridoxal phosphate-responsive seizures (PNPOD). Also called: Pyridoxamine 5-Prime-Phosphate Oxidase Deficiency; Pyridoxine-5'-phosphate oxidase deficiency; EPILEPTIC ENCEPHALOPATHY, NEONATAL, PNPO-RELATED; Pyridoxal 5'-Phosphate (PLP)-Dependent Epilepsy; SEIZURES, PYRIDOXINE-RESISTANT, PLP-SENSITIVE. Identifiers: Orphanet 79096, MedGen C1864723, MONDO:0012407, OMIM 610090. Disease mechanism: loss of function.

Allele frequency attached by ClinVar (database versions not stated): gnomAD exomes below 0.00001; TOPMed below 0.00001.
gnomAD v4.1: 5 of 1,569,896 alleles (0.00032%); highest among the groups gnomAD compares: Non-Finnish European, 0.00035%; no homozygotes.

Submissions (2):

Labcorp Genetics (formerly Invitae), Labcorp
Classification: Uncertain significance for Pyridoxal phosphate-responsive seizures. Last evaluated: 2022-02-03. Review status: criteria provided, single submitter. Criteria: Invitae Variant Classification Sherloc (09022015). Collection method: clinical testing. Allele origin: germline.
Comment: This sequence change replaces serine, which is neutral and polar, with asparagine, which is neutral and polar, at codon 40 of the PNPO protein (p.Ser40Asn). This variant is not present in population databases (gnomAD no frequency). This variant has not been reported in the literature in individuals affected with PNPO-related conditions. ClinVar contains an entry for this variant (Variation ID: 211924). Algorithms developed to predict the effect of missense changes on protein structure and function output the following: SIFT: "Tolerated"; PolyPhen-2: "Benign"; Align-GVGD: "Class C0". The asparagine amino acid residue is found in multiple mammalian species, which suggests that this missense change does not adversely affect protein function. In summary, the available evidence is currently insufficient to determine the role of this variant in disease. Therefore, it has been classified as a Variant of Uncertain Significance.

Genetic Services Laboratory, University of Chicago
Classification: Uncertain significance. Last evaluated: 2015-07-22. Review status: criteria provided, single submitter. Criteria: ACMG Guidelines, 2015. Collection method: clinical testing. Allele origin: germline.